The following is an entry in ClinVar:

NM_002518.4(NPAS2):c.907C>T (p.Leu303=)

Gene: NPAS2 (neuronal PAS domain protein 2; plus strand). Cytogenetic location: 2q11.2.
Variant type: single nucleotide variant.
Coding change: c.907C>T on transcript NM_002518.4 (MANE Select); coding-DNA position 907, C replaced by T.
Protein change: p.Leu303=; no amino-acid change (leucine 303 retained).
Molecular consequence: synonymous variant.
Genome position (GRCh38, 1-based): chr2:100,965,766, C>T. VCF-style: chr2-100965766-C-T. GRCh37 (hg19) VCF-style: chr2-101582228-C-T.
Identifiers: ClinVar variation 2651208 (VCV002651208.24), dbSNP rs769801120, ClinGen allele CA1803618.

ClinVar aggregate classification (germline): Likely benign (1 of 4 stars; one submission).

Allele frequency attached by ClinVar (database versions not stated): ExAC 0.00001; gnomAD exomes 0.00002; gnomAD 0.00005; TOPMed 0.00007.
gnomAD v4.1: 30 of 1,605,168 alleles (0.0019%); highest among the groups gnomAD compares: African/African-American, 0.015%; no homozygotes.

Submission:

CeGaT Center for Human Genetics Tuebingen
Classification: Likely benign. Last evaluated: 2022-12-01. Review status: criteria provided, single submitter. Criteria: CeGaT Center For Human Genetics Tuebingen Variant Classification Criteria Version 2. Collection method: clinical testing. Allele origin: germline. Affected: yes. Observed: 1 variant allele.
Comment: NPAS2: BP4, BP7